The following is an entry in ClinVar:

ClinVar aggregate classification (germline): Likely pathogenic (1 of 4 stars; one submission).

Conditions:
KBG syndrome (KBGS). Also called: ANKRD11-Related KBG Syndrome. Identifiers: Orphanet 2332, MedGen C0220687, MONDO:0007846, OMIM 148050.

Submission:

Juno Genomics, Hangzhou Juno Genomics, Inc
Classification: Likely pathogenic for KBG syndrome. Review status: criteria provided, single submitter. Criteria: ACMG Guidelines, 2015. Collection method: clinical testing. Allele origin: germline. Affected: yes.
Comment: Absent from controls (or at extremely low frequency if recessive) in Genome Aggregation Database, Exome Sequencing Project, 1000 Genomes Project, or Exome Aggregation Consortium.;Null variant in a gene where loss of function (LOF) is a known mechanism of disease.

NM_013275.6(ANKRD11):c.4330G>T (p.Glu1444Ter)

Gene: ANKRD11 (ankyrin repeat domain 11; minus strand). Cytogenetic location: 16q24.3.
Variant type: single nucleotide variant.
Coding change: c.4330G>T on transcript NM_013275.6 (MANE Select); coding-DNA position 4330, G replaced by T.
Protein change: p.Glu1444Ter; replaces glutamic acid 1444 with a stop codon.
Molecular consequence: nonsense.
Genome position (GRCh38, 1-based): chr16:89,282,212, C>A on the plus strand (G>T on the coding strand, the complement: ANKRD11 is on the minus strand). VCF-style: chr16-89282212-C-A. GRCh37 (hg19) VCF-style: chr16-89348620-C-A.
Other names: c.4330G>T, p.Glu1444Ter (NM_001256182.2, NM_001256183.2); short protein forms E1444*.
Identifiers: ClinVar variation 4531200 (VCV004531200.1).